The following is an entry in ClinVar:

ClinVar aggregate classification (germline): Uncertain significance. Review status: criteria provided, multiple submitters, no conflicts (2 of 4 stars). 2 submissions from 2 submitters: Uncertain significance (2). Last evaluated 2025-03-18.

Conditions:
Mitochondrial trifunctional protein deficiency. Identifiers: Orphanet 746, MedGen C1969443, MONDO:0012172.

Allele frequency attached by ClinVar (database versions not stated): ExAC 0.00001; gnomAD exomes 0.00001; TOPMed 0.00001; gnomAD 0.00002.
gnomAD v4.1: 16 of 1,613,860 alleles (0.00099%); highest among the groups gnomAD compares: Admixed American, 0.0017%; no homozygotes.

Submissions (2):

Mayo Clinic Laboratories, Mayo Clinic
Classification: Uncertain significance. Last evaluated: 2025-03-18. Review status: criteria provided, single submitter. Criteria: ACMG Guidelines, 2015. Collection method: clinical testing. Allele origin: germline. Observed: 1 variant allele.

Labcorp Genetics (formerly Invitae), Labcorp
Classification: Uncertain significance for Mitochondrial trifunctional protein deficiency. Last evaluated: 2021-12-27. Review status: criteria provided, single submitter. Criteria: Invitae Variant Classification Sherloc (09022015). Collection method: clinical testing. Allele origin: germline.
Comment: This sequence change replaces alanine, which is neutral and non-polar, with threonine, which is neutral and polar, at codon 441 of the HADHB protein (p.Ala441Thr). This variant is present in population databases (rs758459657, gnomAD 0.002%). This variant has not been reported in the literature in individuals affected with HADHB-related conditions. Algorithms developed to predict the effect of missense changes on protein structure and function (SIFT, PolyPhen-2, Align-GVGD) all suggest that this variant is likely to be tolerated. In summary, the available evidence is currently insufficient to determine the role of this variant in disease. Therefore, it has been classified as a Variant of Uncertain Significance.

NM_000183.3(HADHB):c.1321G>A (p.Ala441Thr)

Gene: HADHB (hydroxyacyl-CoA dehydrogenase trifunctional multienzyme complex subunit beta; plus strand). Cytogenetic location: 2p23.3.
Variant type: single nucleotide variant.
Coding change: c.1321G>A on transcript NM_000183.3 (MANE Select); coding-DNA position 1321, G replaced by A.
Protein change: p.Ala441Thr; replaces alanine 441 with threonine.
Molecular consequence: missense variant.
Genome position (GRCh38, 1-based): chr2:26,285,503, G>A. VCF-style: chr2-26285503-G-A. GRCh37 (hg19) VCF-style: chr2-26508371-G-A.
Other names: p.Ala441Thr; c.1276G>A, p.Ala426Thr (NM_001281512.2); c.1255G>A, p.Ala419Thr (NM_001281513.2); short protein forms A441T, A426T, A419T.
Identifiers: ClinVar variation 1941578 (VCV001941578.3), dbSNP rs758459657, ClinGen allele CA1560513.